The following is an entry in ClinVar:

NM_001371727.1(GABRB2):c.373G>A (p.Asp125Asn)

Gene: GABRB2 (gamma-aminobutyric acid type A receptor subunit beta2; minus strand). Cytogenetic location: 5q34.
Variant type: single nucleotide variant.
Coding change: c.373G>A on transcript NM_001371727.1 (MANE Select); coding-DNA position 373, G replaced by A.
Protein change: p.Asp125Asn; replaces aspartic acid 125 with asparagine.
Molecular consequence: missense variant.
Genome position (GRCh38, 1-based): chr5:161,459,709, C>T on the plus strand (G>A on the coding strand, the complement: GABRB2 is on the minus strand). VCF-style: chr5-161459709-C-T. GRCh37 (hg19) VCF-style: chr5-160886715-C-T.
Other names: c.373G>A (NM_021911.2); c.373G>A, p.Asp125Asn (NM_000813.3, NM_021911.3); short protein forms D125N.
Identifiers: ClinVar variation 2201161 (VCV002201161.7), dbSNP rs2479999946, ClinGen allele CA362173878.

ClinVar aggregate classification (germline): Pathogenic. Review status: criteria provided, multiple submitters, no conflicts (2 of 4 stars). 4 submissions from 4 submitters: Pathogenic (3). 1 of the submissions does not count toward it. Last evaluated 2025-01-19.

Conditions:
Intellectual disability. Also called: Intellectual functioning disability; intellectual disabilities; Intellectual developmental disorder. Identifiers: MedGen C3714756, MeSH D008607, MONDO:0001071, HP:0001249.
Inborn genetic diseases. Identifiers: MedGen C0950123, MeSH D030342.

Submissions (4):

GeneDx
Classification: Pathogenic. Last evaluated: 2025-01-19. Review status: criteria provided, single submitter. Criteria: GeneDx Variant Classification Process June 2021. Collection method: clinical testing. Allele origin: germline. Affected: yes.
Comment: Not observed at significant frequency in large population cohorts (gnomAD); In silico analysis supports that this missense variant has a deleterious effect on protein structure/function; This variant is associated with the following publications: (PMID: 33057194, 35982159, 32686847, 31785789, 29100083)

Ambry Genetics
Classification: Pathogenic for Inborn genetic diseases. Last evaluated: 2024-05-23. Review status: criteria provided, single submitter. Criteria: Ambry Variant Classification Scheme 2023. Collection method: clinical testing. Allele origin: germline.
Comment: The c.373G>A (p.D125N) alteration is located in exon 5 (coding exon 4) of the GABRB2 gene. This alteration results from a G to A substitution at nucleotide position 373, causing the aspartic acid (D) at amino acid position 125 to be replaced by an asparagine (N). This variant was not reported in population-based cohorts in the Genome Aggregation Database (gnomAD). This variant was reported as a de novo occurrence in multiple individuals with seizures, developmental delay, and other clinical features consistent with GABRB2-related developmental and epileptic encephalopathy (Hamdan, 2017; DECIPHER). Another alteration at the same codon, c.373G>C (p.D125H), has been detected in an individual in a cohort of adults with developmental and epileptic encephalopathy (Minardi, 2020). This amino acid position is highly conserved in available vertebrate species. This missense alteration is located in a region that has a low rate of benign missense variation (Lek, 2016; Firth, 2009). This alteration is predicted to be tolerated by in silico analysis. Based on the available evidence, this alteration is classified as pathogenic.

Labcorp Genetics (formerly Invitae), Labcorp
Classification: Pathogenic for Intellectual disability. Last evaluated: 2022-08-09. Review status: criteria provided, single submitter. Criteria: Invitae Variant Classification Sherloc (09022015). Collection method: clinical testing. Allele origin: germline.
Comment: Advanced modeling of protein sequence and biophysical properties (such as structural, functional, and spatial information, amino acid conservation, physicochemical variation, residue mobility, and thermodynamic stability) performed at Invitae indicates that this missense variant is expected to disrupt GABRB2 protein function. For these reasons, this variant has been classified as Pathogenic. This missense change has been observed in individual(s) with clinical features of GABRB2-related conditions (PMID: 29100083, 31785789). In at least one individual the variant was observed to be de novo. This variant is not present in population databases (gnomAD no frequency). This sequence change replaces aspartic acid, which is acidic and polar, with asparagine, which is neutral and polar, at codon 125 of the GABRB2 protein (p.Asp125Asn).

Molecular Genetics laboratory, Necker Hospital
Classification: Pathogenic. Last evaluated: 2022-06-14. Review status: no assertion criteria provided. Collection method: clinical testing. Allele origin: de novo. Affected: yes. Not counted in ClinVar's aggregate classification.

Literature cited by the submitters: PubMed 29100083 (cited by Ambry Genetics and Labcorp Genetics (formerly Invitae), Labcorp); PubMed 32725632 (cited by Ambry Genetics); PubMed 31785789 (cited by Labcorp Genetics (formerly Invitae), Labcorp).